The following is an entry in ClinVar:

NM_001008537.3(NEXMIF):c.916G>T (p.Asp306Tyr)

Gene: NEXMIF (neurite extension and migration factor; minus strand). Cytogenetic location: Xq13.3.
Variant type: single nucleotide variant.
Coding change: c.916G>T on transcript NM_001008537.3 (MANE Select); coding-DNA position 916, G replaced by T.
Protein change: p.Asp306Tyr; replaces aspartic acid 306 with tyrosine.
Molecular consequence: missense variant.
Genome position (GRCh38, 1-based): chrX:74,743,641, C>A on the plus strand (G>T on the coding strand, the complement: NEXMIF is on the minus strand). VCF-style: chrX-74743641-C-A. GRCh37 (hg19) VCF-style: chrX-73963476-C-A.
Other names: short protein forms D306Y.
Identifiers: ClinVar variation 4721844 (VCV004721844.1).

ClinVar aggregate classification (germline): Uncertain significance (1 of 4 stars; one submission).

Submission:

Labcorp Genetics (formerly Invitae), Labcorp
Classification: Uncertain significance. Last evaluated: 2025-06-22. Review status: criteria provided, single submitter. Criteria: Invitae Variant Classification Sherloc (09022015). Collection method: clinical testing. Allele origin: germline.
Comment: This sequence change replaces aspartic acid, which is acidic and polar, with tyrosine, which is neutral and polar, at codon 306 of the NEXMIF protein (p.Asp306Tyr). This variant is not present in population databases (gnomAD no frequency). This variant has not been reported in the literature in individuals affected with NEXMIF-related conditions. An algorithm developed to predict the effect of missense changes on protein structure and function (PolyPhen-2) suggests that this variant is likely to be disruptive. In summary, the available evidence is currently insufficient to determine the role of this variant in disease. Therefore, it has been classified as a Variant of Uncertain Significance.